The following is an entry in ClinVar:

NM_000284.4(PDHA1):c.687G>C (p.Met229Ile)

Gene: PDHA1 (pyruvate dehydrogenase E1 subunit alpha 1; plus strand). Cytogenetic location: Xp22.12.
Variant type: single nucleotide variant.
Coding change: c.687G>C on transcript NM_000284.4 (MANE Select); coding-DNA position 687, G replaced by C.
Protein change: p.Met229Ile; replaces methionine 229 with isoleucine.
Molecular consequence: missense variant.
Genome position (GRCh38, 1-based): chrX:19,355,432, G>C. VCF-style: chrX-19355432-G-C. GRCh37 (hg19) VCF-style: chrX-19373550-G-C.
Other names: c.801G>C, p.Met267Ile (NM_001173454.2); c.708G>C, p.Met236Ile (NM_001173455.2); c.594G>C, p.Met198Ile (NM_001173456.2); short protein forms M267I, M229I, M236I, M198I.
Identifiers: ClinVar variation 860913 (VCV000860913.8), dbSNP rs2063189233, ClinGen allele CA412394541.
Genomic context (GRCh38, chrX:19,355,432, plus strand): 5'-CATGGCAGCTTTGTGGAAATTACCTTGTATTTTCATCTGTGAGAATAATCGCTATGGAAT[G>C]GGAACGTCTGTTGAGAGAGCGGCAGCCAGCACTGATTACTACAAGAGAGGCGATTTCATT-3'
Protein context (NP_000275.1, residues 219-239): IFICENNRYG[Met229Ile]GTSVERAAAS

ClinVar aggregate classification (germline): Pathogenic (1 of 4 stars; one submission).

Conditions:
Pyruvate dehydrogenase E1-alpha deficiency (PDHAD). Also called: Ataxia, intermittent, with pyruvate dehydrogenase, or decarboxylase, deficiency; ATAXIA, INTERMITTENT, WITH PYRUVATE DEHYDROGENASE DEFICIENCY; ATAXIA WITH LACTIC ACIDOSIS I; ATAXIA, INTERMITTENT, WITH ABNORMAL PYRUVATE METABOLISM. Identifiers: Orphanet 79243, MedGen C1839413, MONDO:0010717, OMIM 312170.

Submission:

Labcorp Genetics (formerly Invitae), Labcorp
Classification: Pathogenic for Pyruvate dehydrogenase E1-alpha deficiency. Last evaluated: 2019-12-27. Review status: criteria provided, single submitter. Criteria: Invitae Variant Classification Sherloc (09022015). Collection method: clinical testing. Allele origin: germline.
Comment: For these reasons, this variant has been classified as Pathogenic. Algorithms developed to predict the effect of missense changes on protein structure and function are either unavailable or do not agree on the potential impact of this missense change (SIFT: "Deleterious"; PolyPhen-2: "Possibly Damaging"; Align-GVGD: "Class C0"). This variant has been observed in individual(s) with clinical features of pyruvate dehydrogenase deficiency (Invitae). In at least one individual the variant was observed to be de novo. This variant is not present in population databases (ExAC no frequency). This sequence change replaces methionine with isoleucine at codon 229 of the PDHA1 protein (p.Met229Ile). The methionine residue is highly conserved and there is a small physicochemical difference between methionine and isoleucine.